The following is an entry in ClinVar:

NM_001164508.2(NEB):c.5843A>T (p.Asn1948Ile)

Gene: NEB (nebulin; minus strand). Cytogenetic location: 2q23.3.
Variant type: single nucleotide variant.
Coding change: c.5843A>T on transcript NM_001164508.2 (MANE Select); coding-DNA position 5843, A replaced by T.
Protein change: p.Asn1948Ile; replaces asparagine 1948 with isoleucine.
Molecular consequence: missense variant.
Genome position (GRCh38, 1-based): chr2:151,662,262, T>A on the plus strand (A>T on the coding strand, the complement: NEB is on the minus strand). VCF-style: chr2-151662262-T-A. GRCh37 (hg19) VCF-style: chr2-152518776-T-A.
Other names: c.5843A>T, p.Asn1948Ile (NM_001164507.2, NM_001271208.2, NM_004543.5); short protein forms N1948I.
Identifiers: ClinVar variation 1378559 (VCV001378559.6), dbSNP rs2154168814, ClinGen allele CA348806317.

ClinVar aggregate classification (germline): Uncertain significance (1 of 4 stars; one submission).

Conditions:
Nemaline myopathy 2 (NEM2). Also called: Nemaline myopathy 2, autosomal recessive. Identifiers: MedGen C1850569, MONDO:0009725, OMIM 256030.

gnomAD v4.1: 3 of 1,613,642 alleles (0.00019%); highest among the groups gnomAD compares: Non-Finnish European, 0.00025%; no homozygotes.

Submission:

Labcorp Genetics (formerly Invitae), Labcorp
Classification: Uncertain significance for Nemaline myopathy 2. Last evaluated: 2022-01-05. Review status: criteria provided, single submitter. Criteria: Invitae Variant Classification Sherloc (09022015). Collection method: clinical testing. Allele origin: germline.
Comment: In summary, the available evidence is currently insufficient to determine the role of this variant in disease. Therefore, it has been classified as a Variant of Uncertain Significance. Algorithms developed to predict the effect of missense changes on protein structure and function are either unavailable or do not agree on the potential impact of this missense change (SIFT: "Deleterious"; PolyPhen-2: "Not Available"; Align-GVGD: "Class C0"). This variant has not been reported in the literature in individuals affected with NEB-related conditions. This variant is not present in population databases (gnomAD no frequency). This sequence change replaces asparagine, which is neutral and polar, with isoleucine, which is neutral and non-polar, at codon 1948 of the NEB protein (p.Asn1948Ile).